The following is an entry in ClinVar:

ClinVar aggregate classification (germline): Uncertain significance (1 of 4 stars; one submission).

Submission:

GeneDx
Classification: Uncertain significance. Last evaluated: 2024-12-24. Review status: criteria provided, single submitter. Criteria: GeneDx Variant Classification Process June 2021. Collection method: clinical testing. Allele origin: germline. Affected: yes.
Comment: Not observed at significant frequency in large population cohorts (gnomAD); In silico analysis supports that this missense variant has a deleterious effect on protein structure/function; Has not been previously published as pathogenic or benign to our knowledge

NM_018263.6(ASXL2):c.851G>C (p.Arg284Pro)

Gene: ASXL2 (ASXL transcriptional regulator 2; minus strand). Cytogenetic location: 2p23.3.
Variant type: single nucleotide variant.
Coding change: c.851G>C on transcript NM_018263.6 (MANE Select); coding-DNA position 851, G replaced by C.
Protein change: p.Arg284Pro; replaces arginine 284 with proline.
Molecular consequence: missense variant.
Genome position (GRCh38, 1-based): chr2:25,759,570, C>G on the plus strand (G>C on the coding strand, the complement: ASXL2 is on the minus strand). VCF-style: chr2-25759570-C-G. GRCh37 (hg19) VCF-style: chr2-25982439-C-G.
Other names: c.677G>C, p.Arg226Pro (NM_001369346.1); c.71G>C, p.Arg24Pro (NM_001369347.1); short protein forms R226P, R24P, R284P.
Identifiers: ClinVar variation 3907812 (VCV003907812.1).
Genomic context (GRCh38, chr2:25,759,570, plus strand): 5'-AGCAGTCGTTGCTGGCAATCTCCAGGAAGGACTGAAAATGTGTGCTTGTTGATCAGTGCT[C>G]GCAGATTTGTATTAACCAGAATGGAGTCCGGTGTCTCAACGTCAATGTCAGCACATTTAG-3'
Protein context (NP_060733.4, residues 274-294): PDSILVNTNL[Arg284Pro]ALINKHTFSV